The following is an entry in ClinVar:

ClinVar aggregate classification (germline): Uncertain significance (1 of 4 stars; one submission).

Submission:

Labcorp Genetics (formerly Invitae), Labcorp
Classification: Uncertain significance. Last evaluated: 2022-04-18. Review status: criteria provided, single submitter. Criteria: Invitae Variant Classification Sherloc (09022015). Collection method: clinical testing. Allele origin: germline.
Comment: This variant has not been reported in the literature in individuals affected with DCHS1-related conditions. In summary, the available evidence is currently insufficient to determine the role of this variant in disease. Therefore, it has been classified as a Variant of Uncertain Significance. Algorithms developed to predict the effect of missense changes on protein structure and function are either unavailable or do not agree on the potential impact of this missense change (SIFT: "Deleterious"; PolyPhen-2: "Probably Damaging"; Align-GVGD: "Class C0"). This variant is not present in population databases (gnomAD no frequency). This sequence change replaces glycine, which is neutral and non-polar, with valine, which is neutral and non-polar, at codon 2498 of the DCHS1 protein (p.Gly2498Val).

NM_003737.4(DCHS1):c.7493G>T (p.Gly2498Val)

Gene: DCHS1 (dachsous cadherin-related 1; minus strand). Cytogenetic location: 11p15.4.
Variant type: single nucleotide variant.
Coding change: c.7493G>T on transcript NM_003737.4 (MANE Select); coding-DNA position 7493, G replaced by T.
Protein change: p.Gly2498Val; replaces glycine 2498 with valine.
Molecular consequence: missense variant.
Genome position (GRCh38, 1-based): chr11:6,624,183, C>A on the plus strand (G>T on the coding strand, the complement: DCHS1 is on the minus strand). VCF-style: chr11-6624183-C-A. GRCh37 (hg19) VCF-style: chr11-6645414-C-A.
Other names: short protein forms G2498V.
Identifiers: ClinVar variation 2127629 (VCV002127629.4), dbSNP rs2493812954, ClinGen allele CA379482968.